The following is an entry in ClinVar:

NM_057175.5(NAA15):c.1765del (p.Asp589fs)

Gene: NAA15 (N-alpha-acetyltransferase 15, NatA auxiliary subunit; plus strand). Cytogenetic location: 4q31.1.
Variant type: Deletion.
Coding change: c.1765del on transcript NM_057175.5 (MANE Select); coding-DNA position 1765, one base deleted (G; older notation c.1765delG).
Protein change: p.Asp589fs; shifts the reading frame from aspartic acid 589.
Molecular consequence: frameshift variant.
Genome position (GRCh38, 1-based): chr4:139,370,222, G deleted. VCF-style (leftmost placement, unchanged base first): chr4-139370221-TG-T. GRCh37 (hg19) VCF-style: chr4-140291375-TG-T.
Other names: c.1765del, p.Asp589fs (NM_001410842.1); c.*174delG (NM_025085.2); short protein forms D589fs.
Identifiers: ClinVar variation 2674621 (VCV002674621.2), dbSNP rs2530441464, ClinGen allele CA2695198538.

ClinVar aggregate classification (germline): Pathogenic (1 of 4 stars; one submission).

Conditions:
Intellectual developmental disorder, autosomal dominant 50, with behavioral abnormalities. Also called: Intellectual disability, autosomal dominant 50; MENTAL RETARDATION, AUTOSOMAL DOMINANT 50. Identifiers: MedGen C4540470, MONDO:0030916, OMIM 617787.

Submission:

Division Of Personalized Genomic Medicine, Columbia University Irving Medical Center
Classification: Pathogenic for Intellectual developmental disorder, autosomal dominant 50, with behavioral abnormalities. Last evaluated: 2021-08-30. Review status: criteria provided, single submitter. Criteria: ACMG Guidelines, 2015. Collection method: clinical testing. Allele origin: de novo. Inheritance: Autosomal dominant inheritance. Affected: yes. Observed: 1 heterozygote.
Comment: The c.1765del variant is a heterozygous single base pair deletion at nucleotide c.1765 in exon 15 of 20 of the NAA15 gene, resulting in the substitution of the aspartic acid residue at amino acid position 589 to a threonine and a reading frame shift causing premature termination of translation four amino acid residues downstream from the threonine. The c.1765del variant is not observed in the Genome Aggregation Database (gnomAD), indicating it is not a common benign variant in the populations represented in this database. To the best of our knowledge, this variant has not been described to be associated with disease in the literature and is not reported in ClinVar (last accessed 8/26/2021). However, several loss of function variants have been shown to cause disease, including further downstream from the variant found in this patient (PMIDs: 29656860, 28191889).

Literature cited by the submitters: PubMed 29656860; PubMed 28191889.